The following is an entry in ClinVar:

NM_001387274.1(DCDC1):c.285A>T (p.Gln95His)

Gene: DCDC1 (doublecortin domain containing 1; minus strand). Cytogenetic location: 11p13.
Variant type: single nucleotide variant.
Coding change: c.285A>T on transcript NM_001387274.1 (MANE Select); coding-DNA position 285, A replaced by T.
Protein change: p.Gln95His; replaces glutamine 95 with histidine.
Molecular consequence: missense variant. On other transcripts: non-coding transcript variant (1).
Genome position (GRCh38, 1-based): chr11:31,307,788, T>A on the plus strand (A>T on the coding strand, the complement: DCDC1 is on the minus strand). VCF-style: chr11-31307788-T-A. GRCh37 (hg19) VCF-style: chr11-31329335-T-A.
Other names: c.285A>T, p.Gln95His (NM_001367979.1, NM_181807.4); short protein forms Q95H.
Identifiers: ClinVar variation 3080419 (VCV003080419.3), dbSNP rs761884719, ClinGen allele CA5932686.

ClinVar aggregate classification (germline): Uncertain significance. Review status: criteria provided, multiple submitters, no conflicts (2 of 4 stars). 2 submissions from 2 submitters: Uncertain significance (2). Last evaluated 2025-06-12.

Allele frequency attached by ClinVar (database versions not stated): ExAC 0.00003.
gnomAD v4.1: 21 of 1,614,022 alleles (0.0013%); highest among the groups gnomAD compares: Admixed American, 0.035%; no homozygotes.

Submissions (2):

Labcorp Genetics (formerly Invitae), Labcorp
Classification: Uncertain significance. Last evaluated: 2025-06-12. Review status: criteria provided, single submitter. Criteria: Invitae Variant Classification Sherloc (09022015). Collection method: clinical testing. Allele origin: germline.
Comment: This sequence change replaces glutamine, which is neutral and polar, with histidine, which is basic and polar, at codon 95 of the DCDC1 protein (p.Gln95His). This variant is present in population databases (rs761884719, gnomAD 0.06%), and has an allele count higher than expected for a pathogenic variant. This variant has not been reported in the literature in individuals affected with DCDC1-related conditions. ClinVar contains an entry for this variant (Variation ID: 3080419). An algorithm developed to predict the effect of missense changes on protein structure and function (PolyPhen-2) suggests that this variant is likely to be disruptive. In summary, the available evidence is currently insufficient to determine the role of this variant in disease. Therefore, it has been classified as a Variant of Uncertain Significance.

Ambry Genetics
Classification: Uncertain significance. Last evaluated: 2024-09-27. Review status: criteria provided, single submitter. Criteria: Ambry Variant Classification Scheme 2023. Collection method: clinical testing. Allele origin: germline.